The following is an entry in ClinVar:

ClinVar aggregate classification (germline): Uncertain significance (1 of 4 stars; one submission).

gnomAD v4.1: 3 of 1,613,878 alleles (0.00019%); highest among the groups gnomAD compares: African/African-American, 0.0013%; no homozygotes.

Submission:

Ambry Genetics
Classification: Uncertain significance. Last evaluated: 2026-06-25. Review status: criteria provided, single submitter. Criteria: Ambry Variant Classification Scheme 2023. Collection method: clinical testing. Allele origin: germline.
Comment: The p.K73N variant (also known as c.219G>C), located in coding exon 2 of the A2ML1 gene, results from a G to C substitution at nucleotide position 219. The lysine at codon 73 is replaced by asparagine, an amino acid with similar properties. This amino acid position is conserved. In addition, this alteration is predicted to be tolerated by in silico analysis. Based on the available evidence, the clinical significance of this variant remains unclear.

NM_144670.6(A2ML1):c.219G>C (p.Lys73Asn)

Genes: A2ML1 (alpha-2-macroglobulin like 1; plus strand), A2ML1-AS1 (A2ML1 antisense RNA 1; minus strand). Cytogenetic location: 12p13.31.
Variant type: single nucleotide variant.
Coding change: c.219G>C on transcript NM_144670.6 (MANE Select); coding-DNA position 219, G replaced by C.
Protein change: p.Lys73Asn; replaces lysine 73 with asparagine.
Molecular consequence: missense variant.
Genome position (GRCh38, 1-based): chr12:8,823,338, G>C. VCF-style: chr12-8823338-G-C. GRCh37 (hg19) VCF-style: chr12-8975934-G-C.
Other names: short protein forms K73N.
Identifiers: ClinVar variation 5022024 (VCV005022024.1).